The following is an entry in ClinVar:

NM_000426.4(LAMA2):c.8792T>C (p.Val2931Ala)

Gene: LAMA2 (laminin subunit alpha 2; plus strand). Cytogenetic location: 6q22.33.
Variant type: single nucleotide variant.
Coding change: c.8792T>C on transcript NM_000426.4 (MANE Select); coding-DNA position 8792, T replaced by C.
Protein change: p.Val2931Ala; replaces valine 2931 with alanine.
Molecular consequence: missense variant.
Genome position (GRCh38, 1-based): chr6:129,507,577, T>C. VCF-style: chr6-129507577-T-C. GRCh37 (hg19) VCF-style: chr6-129828722-T-C.
Other names: c.8780T>C, p.Val2927Ala (NM_001079823.2); short protein forms V2927A, V2931A.
Identifiers: ClinVar variation 2041333 (VCV002041333.4), dbSNP rs747041167, ClinGen allele CA3994919.

ClinVar aggregate classification (germline): Uncertain significance (1 of 4 stars; one submission).

Conditions:
LAMA2-related muscular dystrophy (LAMA2-RD). Also called: Laminin alpha 2-related dystrophy. Identifiers: MedGen C5679788, MONDO:0100228.

Allele frequency attached by ClinVar (database versions not stated): gnomAD exomes below 0.00001; ExAC 0.00002.
gnomAD v4.1: 2 of 1,614,180 alleles (0.00012%); highest among the groups gnomAD compares: Admixed American, 0.0017%; no homozygotes.

Submission:

Labcorp Genetics (formerly Invitae), Labcorp
Classification: Uncertain significance for LAMA2-related muscular dystrophy. Last evaluated: 2025-06-20. Review status: criteria provided, single submitter. Criteria: Invitae Variant Classification Sherloc (09022015). Collection method: clinical testing. Allele origin: germline.
Comment: This sequence change replaces valine, which is neutral and non-polar, with alanine, which is neutral and non-polar, at codon 2931 of the LAMA2 protein (p.Val2931Ala). This variant is present in population databases (rs747041167, gnomAD 0.006%). This variant has not been reported in the literature in individuals affected with LAMA2-related conditions. ClinVar contains an entry for this variant (Variation ID: 2041333). Invitae Evidence Modeling of protein sequence and biophysical properties (such as structural, functional, and spatial information, amino acid conservation, physicochemical variation, residue mobility, and thermodynamic stability) indicates that this missense variant is not expected to disrupt LAMA2 protein function with a negative predictive value of 95%. In summary, the available evidence is currently insufficient to determine the role of this variant in disease. Therefore, it has been classified as a Variant of Uncertain Significance.